The following is an entry in ClinVar:

ClinVar aggregate classification (germline): Uncertain significance. Review status: criteria provided, multiple submitters, no conflicts (2 of 4 stars). 2 submissions from 2 submitters: Uncertain significance (2). Last evaluated 2024-05-14.

Conditions:
Cobalamin C disease. Also called: Methylmalonic aciduria with homocystinuria cblC type; Cobalamin-C methylmalonic acidemia and homocystinuria; Methylmalonic acidemia and homocystinuria cblC type; Methylmalonic aciduria and homocystinuria, Vitamin B12-responsive; Vitamin B12 metabolic defect with combined deficiency of methylmalonyl-CoA mutase and homocysteine:methyltetrahydrofolate methyltransferase; methylmalonic aciduria and homocystinuria type cblC. Identifiers: Orphanet 26, Orphanet 79282, MedGen C1848561, MONDO:0010184, OMIM 277400.

Allele frequency attached by ClinVar (database versions not stated): gnomAD exomes below 0.00001; ExAC 0.00001.
gnomAD v4.1: 2 of 1,613,690 alleles (0.00012%); highest among the groups gnomAD compares: Admixed American, 0.0033%; no homozygotes.

Submissions (2):

Fulgent Genetics
Classification: Uncertain significance for Cobalamin C disease. Last evaluated: 2024-05-14. Review status: criteria provided, single submitter. Criteria: ACMG Guidelines, 2015. Collection method: clinical testing. Allele origin: germline.

Labcorp Genetics (formerly Invitae), Labcorp
Classification: Uncertain significance for Cobalamin C disease. Last evaluated: 2022-07-14. Review status: criteria provided, single submitter. Criteria: Invitae Variant Classification Sherloc (09022015). Collection method: clinical testing. Allele origin: germline.
Comment: This sequence change replaces leucine, which is neutral and non-polar, with serine, which is neutral and polar, at codon 234 of the MMACHC protein (p.Leu234Ser). This variant is present in population databases (rs763806701, gnomAD 0.003%). This variant has not been reported in the literature in individuals affected with MMACHC-related conditions. Advanced modeling of protein sequence and biophysical properties (such as structural, functional, and spatial information, amino acid conservation, physicochemical variation, residue mobility, and thermodynamic stability) performed at Invitae indicates that this missense variant is expected to disrupt MMACHC protein function. In summary, the available evidence is currently insufficient to determine the role of this variant in disease. Therefore, it has been classified as a Variant of Uncertain Significance.

NM_015506.3(MMACHC):c.701T>C (p.Leu234Ser)

Gene: MMACHC (metabolism of cobalamin associated C; plus strand). Cytogenetic location: 1p34.1.
Variant type: single nucleotide variant.
Coding change: c.701T>C on transcript NM_015506.3 (MANE Select); coding-DNA position 701, T replaced by C.
Protein change: p.Leu234Ser; replaces leucine 234 with serine.
Molecular consequence: missense variant.
Genome position (GRCh38, 1-based): chr1:45,509,067, T>C. VCF-style: chr1-45509067-T-C. GRCh37 (hg19) VCF-style: chr1-45974739-T-C.
Other names: c.530T>C, p.Leu177Ser (NM_001330540.2); short protein forms L177S, L234S.
Identifiers: ClinVar variation 2157700 (VCV002157700.2), dbSNP rs763806701, ClinGen allele CA827841.